The following is an entry in ClinVar:

NM_013450.4(BAZ2B):c.2T>C (p.Met1Thr)

Gene: BAZ2B (bromodomain adjacent to zinc finger domain 2B; minus strand). Cytogenetic location: 2q24.2.
Variant type: single nucleotide variant.
Coding change: c.2T>C on transcript NM_013450.4 (MANE Select); coding-DNA position 2, T replaced by C.
Protein change: p.Met1Thr; changes the start codon (methionine 1).
Molecular consequence: missense variant, initiator codon variant.
Genome position (GRCh38, 1-based): chr2:159,478,718, A>G on the plus strand (T>C on the coding strand, the complement: BAZ2B is on the minus strand). VCF-style: chr2-159478718-A-G. GRCh37 (hg19) VCF-style: chr2-160335229-A-G.
Other names: c.2T>C, p.Met1Thr (NM_001289975.1, NM_001329857.2, NM_001329858.2); c.2T>C (NM_013450.3); short protein forms M1T.
Identifiers: ClinVar variation 2505367 (VCV002505367.3), dbSNP rs2547457958, ClinGen allele CA348946658.
Genomic context (GRCh38, chr2:159,478,718, plus strand): 5'-GAAGATGAAGTTGGTGTAGTAGAGGAGGCTGCTGAGGATGGTAACCGTTCTCCAGACTCC[A>G]TATCTATGAGAAGGGAAAATGTTAATTCTCAGTATCAGATAAAAAATTTTTTCAAAAGAA-3'
Protein context (NP_038478.2, residues 1-11): [Met1Thr]ESGERLPSSA

ClinVar aggregate classification (germline): Pathogenic/Likely pathogenic. Review status: criteria provided, multiple submitters, no conflicts (2 of 4 stars). 2 submissions from 2 submitters: Pathogenic (1); Likely pathogenic (1). Last evaluated 2025-06-12.

Conditions:
BAZ2B-related disorder. Also called: BAZ2B-related condition.

Allele frequency attached by ClinVar (database versions not stated): gnomAD exomes below 0.00001.

Submissions (2):

GeneDx
Classification: Likely pathogenic. Last evaluated: 2025-06-12. Review status: criteria provided, single submitter. Criteria: GeneDx Variant Classification Process June 2021. Collection method: clinical testing. Allele origin: germline. Affected: yes.
Comment: Initiation codon variant predicted to alter the protein; however, a downstream in-frame Methionine residue could serve as an alternate initiator codon; Not observed at significant frequency in large population cohorts (gnomAD); This variant is associated with the following publications: (PMID: 37872713)

Daryl Scott Lab, Baylor College of Medicine
Classification: Pathogenic for BAZ2B-related disorder. Last evaluated: 2023-06-13. Review status: criteria provided, single submitter. Criteria: ACMG Guidelines, 2015. Collection method: curation. Allele origin: de novo. Affected: yes. Observed: 1 variant allele.

Literature cited by the submitters: PubMed 37872713 (cited by Daryl Scott Lab, Baylor College of Medicine).